The following is an entry in ClinVar:

NM_018206.6(VPS35):c.*354G>C

Gene: VPS35 (VPS35 retromer complex component; minus strand). Cytogenetic location: 16q11.2.
Variant type: single nucleotide variant.
Coding change: c.*354G>C on transcript NM_018206.6 (MANE Select); 354 bases downstream of the stop codon, G replaced by C.
Molecular consequence: 3 prime UTR variant.
Genome position (GRCh38, 1-based): chr16:46,660,118, C>G on the plus strand (G>C on the coding strand, the complement: VPS35 is on the minus strand). VCF-style: chr16-46660118-C-G. GRCh37 (hg19) VCF-style: chr16-46694030-C-G.
Identifiers: ClinVar variation 319271 (VCV000319271.5), dbSNP rs572048744, ClinGen allele CA10648397.

ClinVar aggregate classification (germline): Benign (1 of 4 stars; one submission).

Conditions:
Parkinson disease 17 (PARK17). Also called: VPS35-Related Parkinson Disease. Identifiers: Orphanet 411602, MedGen C3280133, MONDO:0013625, OMIM 614203.

Allele frequency attached by ClinVar (database versions not stated): gnomAD 0.00001 and 0.00021; TOPMed 0.00003; gnomAD exomes 0.00054; 1000 Genomes Project 0.00160; 1000 Genomes Project 30x 0.00187.
gnomAD v4.1: 56 of 194,218 alleles (0.029%); highest among the groups gnomAD compares: South Asian, 0.49%; 1 homozygote.

Submission:

Illumina Laboratory Services, Illumina
Classification: Benign for Parkinson disease 17. Last evaluated: 2018-01-13. Review status: criteria provided, single submitter. Criteria: ICSL Variant Classification Criteria 13 December 2019. Collection method: clinical testing. Allele origin: germline.
Comment: This variant was observed in the ICSL laboratory as part of a predisposition screen in an ostensibly healthy population. It had not been previously curated by ICSL or reported in the Human Gene Mutation Database (HGMD: prior to June 1st, 2018), and was therefore a candidate for classification through an automated scoring system. Utilizing variant allele frequency, disease prevalence and penetrance estimates, and inheritance mode, an automated score was calculated to assess if this variant is too frequent to cause the disease. Based on the score and internal cut-off values, a variant classified as benign is not then subjected to further curation. The score for this variant resulted in a classification of benign for this disease.